The following is an entry in ClinVar:

ClinVar aggregate classification (germline): Uncertain significance. Review status: criteria provided, multiple submitters, no conflicts (2 of 4 stars). 2 submissions from 2 submitters: Uncertain significance (2). Last evaluated 2025-12-17.

Conditions:
Hereditary cancer-predisposing syndrome. Also called: Hereditary neoplastic syndrome; Neoplastic Syndromes, Hereditary; Tumor predisposition; Hereditary Cancer Syndrome. Identifiers: Orphanet 140162, MedGen C0027672, MeSH D009386, MONDO:0015356.
Familial adenomatous polyposis 1 (FAP1). Also called: POLYPOSIS, ADENOMATOUS INTESTINAL; FAMILIAL ADENOMATOUS POLYPOSIS 1, ATTENUATED. Identifiers: MedGen C2713442, MONDO:0021056, OMIM 175100. Disease mechanism: loss of function.

Submissions (2):

Labcorp Genetics (formerly Invitae), Labcorp
Classification: Uncertain significance for Familial adenomatous polyposis 1. Last evaluated: 2025-12-17. Review status: criteria provided, single submitter. Criteria: Invitae Variant Classification Sherloc (09022015). Collection method: clinical testing. Allele origin: germline.
Comment: This sequence change replaces aspartic acid, which is acidic and polar, with valine, which is neutral and non-polar, at codon 1186 of the APC protein (p.Asp1186Val). This variant is not present in population databases (gnomAD no frequency). This variant has not been reported in the literature in individuals affected with APC-related conditions. ClinVar contains an entry for this variant (Variation ID: 469924). Invitae Evidence Modeling of protein sequence and biophysical properties (such as structural, functional, and spatial information, amino acid conservation, physicochemical variation, residue mobility, and thermodynamic stability) indicates that this missense variant is not expected to disrupt APC protein function with a negative predictive value of 95%. In summary, the available evidence is currently insufficient to determine the role of this variant in disease. Therefore, it has been classified as a Variant of Uncertain Significance.

Ambry Genetics
Classification: Uncertain significance for Hereditary cancer-predisposing syndrome. Last evaluated: 2024-04-10. Review status: criteria provided, single submitter. Criteria: Ambry Variant Classification Scheme 2023. Collection method: clinical testing. Allele origin: germline.
Comment: The p.D1186V variant (also known as c.3557A>T), located in coding exon 15 of the APC gene, results from an A to T substitution at nucleotide position 3557. The aspartic acid at codon 1186 is replaced by valine, an amino acid with highly dissimilar properties. This amino acid position is not well conserved in available vertebrate species. In addition, in silico predictors for this gene do not accurately predict pathogenicity. Since supporting evidence is limited at this time, the clinical significance of this alteration remains unclear.

NM_000038.6(APC):c.3557A>T (p.Asp1186Val)

Gene: APC (APC regulator of Wnt signaling pathway; plus strand). Cytogenetic location: 5q22.2.
Variant type: single nucleotide variant.
Coding change: c.3557A>T on transcript NM_000038.6 (MANE Select); coding-DNA position 3557, A replaced by T.
Protein change: p.Asp1186Val; replaces aspartic acid 1186 with valine.
Molecular consequence: missense variant.
Genome position (GRCh38, 1-based): chr5:112,839,151, A>T. VCF-style: chr5-112839151-A-T. GRCh37 (hg19) VCF-style: chr5-112174848-A-T.
Other names: c.3557A>T, p.Asp1186Val (NM_001127510.3, NM_001354895.2); c.3503A>T, p.Asp1168Val (NM_001127511.3); c.3611A>T, p.Asp1204Val (NM_001354896.2); c.3587A>T, p.Asp1196Val (NM_001354897.2); c.3482A>T, p.Asp1161Val (NM_001354898.2); c.3473A>T, p.Asp1158Val (NM_001354899.2); c.3434A>T, p.Asp1145Val (NM_001354900.2); c.3380A>T, p.Asp1127Val (NM_001354901.2); and 5 more; short protein forms D1186V, D1168V, D1085V, D1026V, D1127V, D1161V, D1196V, D903V.
Identifiers: ClinVar variation 469924 (VCV000469924.15), dbSNP rs1060503280, ClinGen allele CA16029149.